The following is an entry in ClinVar:

ClinVar aggregate classification (germline): Uncertain significance (1 of 4 stars; one submission).

Conditions:
Acute myeloid leukemia (AML). Also called: Acute myeloid leukemia, adult; AML adult; Acute non-lymphocytic leukemia; Acute granulocytic leukemia; Leukemia, acute myeloid, somatic; Leukemia, acute myelogenous, somatic. Identifiers: Orphanet 519, MedGen C0023467, MeSH D015470, MONDO:0018874, OMIM 601626, HP:0004808. Disease mechanism: Constitutively activated FLT3.

Submission:

Labcorp Genetics (formerly Invitae), Labcorp
Classification: Uncertain significance for Acute myeloid leukemia. Last evaluated: 2025-11-05. Review status: criteria provided, single submitter. Criteria: Invitae Variant Classification Sherloc (09022015). Collection method: clinical testing. Allele origin: germline.
Comment: This sequence change replaces proline, which is neutral and non-polar, with serine, which is neutral and polar, at codon 189 of the CEBPA protein (p.Pro189Ser). This variant is not present in population databases (gnomAD no frequency). This variant has not been reported in the literature in individuals affected with CEBPA-related conditions. An algorithm developed to predict the effect of missense changes on protein structure and function (PolyPhen-2) suggests that this variant is likely to be disruptive. In summary, the available evidence is currently insufficient to determine the role of this variant in disease. Therefore, it has been classified as a Variant of Uncertain Significance.

NM_004364.5(CEBPA):c.565C>T (p.Pro189Ser)

Gene: CEBPA (CCAAT enhancer binding protein alpha; minus strand). Cytogenetic location: 19q13.11.
Variant type: single nucleotide variant.
Coding change: c.565C>T on transcript NM_004364.5 (MANE Select); coding-DNA position 565, C replaced by T.
Protein change: p.Pro189Ser; replaces proline 189 with serine.
Molecular consequence: missense variant.
Genome position (GRCh38, 1-based): chr19:33,301,850, G>A on the plus strand (C>T on the coding strand, the complement: CEBPA is on the minus strand). VCF-style: chr19-33301850-G-A. GRCh37 (hg19) VCF-style: chr19-33792756-G-A.
Other names: c.208C>T, p.Pro70Ser (NM_001285829.2); c.670C>T, p.Pro224Ser (NM_001287424.2); c.523C>T, p.Pro175Ser (NM_001287435.2); short protein forms P175S, P224S, P189S, P70S.
Identifiers: ClinVar variation 4730541 (VCV004730541.1).
Genomic context (GRCh38, chr19:33,301,850, plus strand): 5'-GGAACTGCAGGTGCGGGGCGGCCAGGTGCGCGGGCGGCGGGTGCGGGTGCGGGTGCGAGG[G>A]CGGCGGCGGCGGCGGCGGCTGGTAAGGGAAGAGGCCGGCCAGCGCCAGCTGCTTGGCTTC-3'
Protein context (NP_004355.2, residues 179-199): FPYQPPPPPP[Pro189Ser]SHPHPHPPPA